The following is an entry in ClinVar:

NM_018993.4(RIN2):c.1526C>G (p.Thr509Ser)

Gene: RIN2 (Ras and Rab interactor 2; plus strand). Cytogenetic location: 20p11.23.
Variant type: single nucleotide variant.
Coding change: c.1526C>G on transcript NM_018993.4 (MANE Select); coding-DNA position 1526, C replaced by G.
Protein change: p.Thr509Ser; replaces threonine 509 with serine.
Molecular consequence: missense variant.
Genome position (GRCh38, 1-based): chr20:19,975,551, C>G. VCF-style: chr20-19975551-C-G. GRCh37 (hg19) VCF-style: chr20-19956195-C-G.
Other names: c.1673C>G, p.Thr558Ser (NM_001242581.2); c.908C>G, p.Thr303Ser (NM_001378238.1); short protein forms T558S, T303S, T509S.
Identifiers: ClinVar variation 3433494 (VCV003433494.2).

ClinVar aggregate classification (germline): Uncertain significance. Review status: criteria provided, multiple submitters, no conflicts (2 of 4 stars). 2 submissions from 2 submitters: Uncertain significance (2). Last evaluated 2024-12-30.

Conditions:
Inborn genetic diseases. Identifiers: MedGen C0950123, MeSH D030342.

Submissions (2):

GeneDx
Classification: Uncertain significance. Last evaluated: 2024-12-30. Review status: criteria provided, single submitter. Criteria: GeneDx Variant Classification Process June 2021. Collection method: clinical testing. Allele origin: germline. Affected: yes.
Comment: Not observed at significant frequency in large population cohorts (gnomAD); In silico analysis indicates that this missense variant does not alter protein structure/function; Has not been previously published as pathogenic or benign to our knowledge

Ambry Genetics
Classification: Uncertain significance for Inborn genetic diseases. Last evaluated: 2024-12-04. Review status: criteria provided, single submitter. Criteria: Ambry Variant Classification Scheme 2023. Collection method: clinical testing. Allele origin: germline.